The following is an entry in ClinVar:

NM_005502.4(ABCA1):c.6134A>C (p.Tyr2045Ser)

Genes: ABCA1 (ATP binding cassette subfamily A member 1; minus strand), NIPSNAP3B (nipsnap homolog 3B; plus strand). Cytogenetic location: 9q31.1.
Variant type: single nucleotide variant.
Coding change: c.6134A>C on transcript NM_005502.4 (MANE Select); coding-DNA position 6134, A replaced by C.
Protein change: p.Tyr2045Ser; replaces tyrosine 2045 with serine.
Molecular consequence: missense variant.
Genome position (GRCh38, 1-based): chr9:104,787,990, T>G on the plus strand (A>C on the coding strand, the complement: ABCA1 is on the minus strand). VCF-style: chr9-104787990-T-G. GRCh37 (hg19) VCF-style: chr9-107550271-T-G.
Other names: short protein forms Y2045S.
Identifiers: ClinVar variation 1350238 (VCV001350238.6), dbSNP rs1829072022, ClinGen allele CA374306761.

ClinVar aggregate classification (germline): Uncertain significance (1 of 4 stars; one submission).

gnomAD v4.1: 1 of 1,614,200 alleles (0.000062%); no homozygotes.

Submission:

Labcorp Genetics (formerly Invitae), Labcorp
Classification: Uncertain significance. Last evaluated: 2021-11-08. Review status: criteria provided, single submitter. Criteria: Invitae Variant Classification Sherloc (09022015). Collection method: clinical testing. Allele origin: germline.
Comment: This sequence change replaces tyrosine, which is neutral and polar, with serine, which is neutral and polar, at codon 2045 of the ABCA1 protein (p.Tyr2045Ser). This variant is not present in population databases (gnomAD no frequency). This variant has not been reported in the literature in individuals affected with ABCA1-related conditions. Advanced modeling of protein sequence and biophysical properties (such as structural, functional, and spatial information, amino acid conservation, physicochemical variation, residue mobility, and thermodynamic stability) performed at Invitae indicates that this missense variant is expected to disrupt ABCA1 protein function. In summary, the available evidence is currently insufficient to determine the role of this variant in disease. Therefore, it has been classified as a Variant of Uncertain Significance.